The following is an entry in ClinVar:

NM_002465.4(MYBPC1):c.2688C>G (p.Asn896Lys)

Gene: MYBPC1 (myosin binding protein C1; plus strand). Cytogenetic location: 12q23.2.
Variant type: single nucleotide variant.
Coding change: c.2688C>G on transcript NM_002465.4 (MANE Select); coding-DNA position 2688, C replaced by G.
Protein change: p.Asn896Lys; replaces asparagine 896 with lysine.
Molecular consequence: missense variant.
Genome position (GRCh38, 1-based): chr12:101,673,501, C>G. VCF-style: chr12-101673501-C-G. GRCh37 (hg19) VCF-style: chr12-102067279-C-G.
Other names: c.2667C>G, p.Asn889Lys (NM_001254718.3, NM_206820.4); c.2613C>G, p.Asn871Lys (NM_001254719.3, NM_206821.4); c.2577C>G, p.Asn859Lys (NM_001254720.3); c.2556C>G, p.Asn852Lys (NM_001254721.3, NM_001404676.1, NM_001404678.1); c.2535C>G, p.Asn845Lys (NM_001254722.3, NM_001404680.1); c.2574C>G, p.Asn858Lys (NM_001254723.3); c.2688C>G, p.Asn896Lys (NM_001404675.1, NM_206819.4); c.2478C>G, p.Asn826Lys (NM_001404677.1, NM_001404679.1, NM_001404681.1); short protein forms N826K, N845K, N852K, N858K, N859K, N871K, N889K, N896K.
Identifiers: ClinVar variation 5041496 (VCV005041496.1).

ClinVar aggregate classification (germline): Uncertain significance (1 of 4 stars; one submission).

gnomAD v4.1: 4 of 1,614,040 alleles (0.00025%); highest among the groups gnomAD compares: Non-Finnish European, 0.00034%; no homozygotes.

Submission:

CeGaT Center for Human Genetics Tuebingen
Classification: Uncertain significance. Last evaluated: 2026-09-01. Review status: criteria provided, single submitter. Criteria: CeGaT Center For Human Genetics Tuebingen Variant Classification Criteria Version 2. Collection method: clinical testing. Allele origin: germline. Affected: yes. Observed: 1 variant allele.
Comment: MYBPC1: PM2